The following is an entry in ClinVar:

ClinVar aggregate classification (germline): Uncertain significance (1 of 4 stars; one submission).

gnomAD v4.1: 3 of 1,614,000 alleles (0.00019%); highest among the groups gnomAD compares: Admixed American, 0.0033%; no homozygotes.

Submission:

Labcorp Genetics (formerly Invitae), Labcorp
Classification: Uncertain significance. Last evaluated: 2024-09-14. Review status: criteria provided, single submitter. Criteria: Invitae Variant Classification Sherloc (09022015). Collection method: clinical testing. Allele origin: germline.
Comment: This sequence change replaces arginine, which is basic and polar, with glutamine, which is neutral and polar, at codon 171 of the NDUFS2 protein (p.Arg171Gln). This variant is present in population databases (no rsID available, gnomAD 0.003%). This variant has not been reported in the literature in individuals affected with NDUFS2-related conditions. An algorithm developed to predict the effect of missense changes on protein structure and function (PolyPhen-2) suggests that this variant is likely to be disruptive. In summary, the available evidence is currently insufficient to determine the role of this variant in disease. Therefore, it has been classified as a Variant of Uncertain Significance.

NM_001377299.1(NDUFS2):c.512G>A (p.Arg171Gln)

Gene: NDUFS2 (NADH:ubiquinone oxidoreductase core subunit S2; plus strand). Cytogenetic location: 1q23.3.
Variant type: single nucleotide variant.
Coding change: c.512G>A on transcript NM_001377299.1 (MANE Select); coding-DNA position 512, G replaced by A.
Protein change: p.Arg171Gln; replaces arginine 171 with glutamine.
Molecular consequence: missense variant. On other transcripts: non-coding transcript variant (1).
Genome position (GRCh38, 1-based): chr1:161,209,311, G>A. VCF-style: chr1-161209311-G-A. GRCh37 (hg19) VCF-style: chr1-161179101-G-A.
Other names: c.512G>A, p.Arg171Gln (NM_001166159.2, NM_001377298.1, NM_001377300.1 and 4 more transcripts); short protein forms R171Q.
Identifiers: ClinVar variation 3688293 (VCV003688293.2).
Genomic context (GRCh38, chr1:161,209,311, plus strand): 5'-ATTCTCTAGCTGTGGAGAAGTTGCTAAACATCCGGCCTCCTCCTCGGGCACAGTGGATCC[G>A]AGGTATGTCCCCCCAACTTTTTCTGTGGCCCACTGTGAGCATAGCATAGTGCCTTTTCCA-3'
Protein context (NP_001364228.1, residues 161-181): IRPPPRAQWI[Arg171Gln]VLFGEITRLL